The following is an entry in ClinVar:

ClinVar aggregate classification (germline): Uncertain significance. Review status: criteria provided, multiple submitters, no conflicts (2 of 4 stars). 2 submissions from 2 submitters: Uncertain significance (2). Last evaluated 2023-12-22.

Conditions:
Inborn genetic diseases. Identifiers: MedGen C0950123, MeSH D030342.

Allele frequency attached by ClinVar (database versions not stated): gnomAD exomes below 0.00001 and 0.00002; ExAC 0.00001; gnomAD 0.00001; TOPMed 0.00003.
gnomAD v4.1: 7 of 1,614,028 alleles (0.00043%); highest among the groups gnomAD compares: Admixed American, 0.0067%; no homozygotes.

Submissions (2):

Ambry Genetics
Classification: Uncertain significance for Inborn genetic diseases. Last evaluated: 2023-12-22. Review status: criteria provided, single submitter. Criteria: Ambry Variant Classification Scheme 2023. Collection method: clinical testing. Allele origin: germline.

Labcorp Genetics (formerly Invitae), Labcorp
Classification: Uncertain significance. Last evaluated: 2022-08-15. Review status: criteria provided, single submitter. Criteria: Invitae Variant Classification Sherloc (09022015). Collection method: clinical testing. Allele origin: germline.
Comment: This sequence change replaces leucine, which is neutral and non-polar, with phenylalanine, which is neutral and non-polar, at codon 1648 of the NBAS protein (p.Leu1648Phe). This variant is present in population databases (rs773367951, gnomAD 0.01%). This variant has not been reported in the literature in individuals affected with NBAS-related conditions. ClinVar contains an entry for this variant (Variation ID: 1503516). Algorithms developed to predict the effect of missense changes on protein structure and function are either unavailable or do not agree on the potential impact of this missense change (SIFT: "Deleterious"; PolyPhen-2: "Probably Damaging"; Align-GVGD: "Class C15"). In summary, the available evidence is currently insufficient to determine the role of this variant in disease. Therefore, it has been classified as a Variant of Uncertain Significance.

NM_015909.4(NBAS):c.4942C>T (p.Leu1648Phe)

Gene: NBAS (NBAS subunit of NRZ tethering complex; minus strand). Cytogenetic location: 2p24.3.
Variant type: single nucleotide variant.
Coding change: c.4942C>T on transcript NM_015909.4 (MANE Select); coding-DNA position 4942, C replaced by T.
Protein change: p.Leu1648Phe; replaces leucine 1648 with phenylalanine.
Molecular consequence: missense variant. On other transcripts: non-coding transcript variant (1).
Genome position (GRCh38, 1-based): chr2:15,292,622, G>A on the plus strand (C>T on the coding strand, the complement: NBAS is on the minus strand). VCF-style: chr2-15292622-G-A. GRCh37 (hg19) VCF-style: chr2-15432746-G-A.
Other names: c.4942C>T (NM_015909.2); short protein forms L1648F.
Identifiers: ClinVar variation 1503516 (VCV001503516.6), dbSNP rs773367951, ClinGen allele CA1535450.
Genomic context (GRCh38, chr2:15,292,622, plus strand): 5'-TTTTATACTGGTCATCTGCAGTAAACCGCTGCACGTCCACACCCTTCCGAAGGCCCTGAA[G>A]GATCTGCGCCTGAGTGAAATCCAGGAGACGTTCATTGTAGCAGTGTAACTGCTTGGTCAG-3'
Protein context (NP_056993.2, residues 1638-1658): RLLDFTQAQI[Leu1648Phe]QGLRKGVDVQ